The following is an entry in ClinVar:

ClinVar aggregate classification (germline): Uncertain significance. Review status: criteria provided, multiple submitters, no conflicts (2 of 4 stars). 2 submissions from 2 submitters: Uncertain significance (2). Last evaluated 2024-10-23.

Conditions:
Retinitis pigmentosa 59 (RP59). Identifiers: Orphanet 791, MedGen C3151227, MONDO:0013468, OMIM 613861.
Inborn genetic diseases. Identifiers: MedGen C0950123, MeSH D030342.

Allele frequency attached by ClinVar (database versions not stated): gnomAD exomes below 0.00001.
gnomAD v4.1: 4 of 1,613,894 alleles (0.00025%); highest among the groups gnomAD compares: Non-Finnish European, 0.00034%; no homozygotes.

Submissions (2):

Labcorp Genetics (formerly Invitae), Labcorp
Classification: Uncertain significance for Retinitis pigmentosa 59. Last evaluated: 2024-10-23. Review status: criteria provided, single submitter. Criteria: Invitae Variant Classification Sherloc (09022015). Collection method: clinical testing. Allele origin: germline.
Comment: This sequence change replaces threonine, which is neutral and polar, with alanine, which is neutral and non-polar, at codon 194 of the DHDDS protein (p.Thr194Ala). This variant is not present in population databases (gnomAD no frequency). This variant has not been reported in the literature in individuals affected with DHDDS-related conditions. ClinVar contains an entry for this variant (Variation ID: 1955073). Invitae Evidence Modeling of protein sequence and biophysical properties (such as structural, functional, and spatial information, amino acid conservation, physicochemical variation, residue mobility, and thermodynamic stability) indicates that this missense variant is not expected to disrupt DHDDS protein function with a negative predictive value of 80%. In summary, the available evidence is currently insufficient to determine the role of this variant in disease. Therefore, it has been classified as a Variant of Uncertain Significance.

Ambry Genetics
Classification: Uncertain significance for Inborn genetic diseases. Last evaluated: 2024-02-13. Review status: criteria provided, single submitter. Criteria: Ambry Variant Classification Scheme 2023. Collection method: clinical testing. Allele origin: germline.

NM_205861.3(DHDDS):c.580A>G (p.Thr194Ala)

Gene: DHDDS (dehydrodolichyl diphosphate synthase subunit; plus strand). Cytogenetic location: 1p36.11.
Variant type: single nucleotide variant.
Coding change: c.580A>G on transcript NM_205861.3 (MANE Select); coding-DNA position 580, A replaced by G.
Protein change: p.Thr194Ala; replaces threonine 194 with alanine.
Molecular consequence: missense variant.
Genome position (GRCh38, 1-based): chr1:26,457,828, A>G. VCF-style: chr1-26457828-A-G. GRCh37 (hg19) VCF-style: chr1-26784319-A-G.
Other names: c.478A>G, p.Thr160Ala (NM_001243564.2); c.463A>G, p.Thr155Ala (NM_001243565.2); c.301A>G, p.Thr101Ala (NM_001319959.2); c.580A>G, p.Thr194Ala (NM_024887.4); c.580A>G (NM_024887.3); short protein forms T194A, T155A, T160A, T101A.
Identifiers: ClinVar variation 1955073 (VCV001955073.6), dbSNP rs2524685833, ClinGen allele CA339144645.